The following is an entry in ClinVar:

ClinVar aggregate classification (germline): Conflicting classifications of pathogenicity. Review status: criteria provided, conflicting classifications (1 of 4 stars). 4 submissions from 4 submitters: Uncertain significance (3); Likely benign (1). Last evaluated 2024-03-13.

Conditions:
Hereditary cancer-predisposing syndrome. Also called: Hereditary neoplastic syndrome; Tumor predisposition; Neoplastic Syndromes, Hereditary; Hereditary Cancer Syndrome. Identifiers: Orphanet 140162, MedGen C0027672, MeSH D009386, MONDO:0015356.
Hereditary breast ovarian cancer syndrome. Also called: Hereditary breast and ovarian cancer; Hereditary breast and/or ovarian cancer syndrome; Hereditary breast and ovarian cancer syndrome; Hereditary breast and ovarian cancer syndrome (HBOC); Breast and ovarian cancer; BRCA1- and BRCA2-Associated Hereditary Breast and Ovarian Cancer. Identifiers: Orphanet 145, MedGen C0677776, MeSH D061325, MONDO:0003582. Disease mechanism: loss of function.

Allele frequency attached by ClinVar (database versions not stated): gnomAD exomes below 0.00001.
gnomAD v4.1: 1 of 1,614,076 alleles (0.000062%); highest among the groups gnomAD compares: East Asian, 0.0022%; no homozygotes.

Submissions (4):

Ambry Genetics
Classification: Uncertain significance for Hereditary cancer-predisposing syndrome. Last evaluated: 2024-03-13. Review status: criteria provided, single submitter. Criteria: Ambry Variant Classification Scheme 2023. Collection method: clinical testing. Allele origin: germline.
Comment: The p.P938L variant (also known as c.2813C>T), located in coding exon 9 of the BRCA1 gene, results from a C to T substitution at nucleotide position 2813. The proline at codon 938 is replaced by leucine, an amino acid with similar properties. This amino acid position is not well conserved in available vertebrate species. In addition, this alteration is predicted to be tolerated by in silico analysis. Based on the available evidence, the clinical significance of this alteration remains unclear.

University of Washington Department of Laboratory Medicine, University of Washington
Classification: Likely benign for Hereditary cancer-predisposing syndrome. Last evaluated: 2023-03-23. Review status: criteria provided, single submitter. Criteria: Dines et al. (Genet Med. 2020). Collection method: curation. Allele origin: germline.
Comment: Missense variant in a coldspot region where missense variants are very unlikely to be pathogenic (PMID:31911673).

BRCA1 coldspot (exon 11 using historical exon numbering). Reclassification based on statistical prior probability

Labcorp Genetics (formerly Invitae), Labcorp
Classification: Uncertain significance for Hereditary breast ovarian cancer syndrome. Last evaluated: 2017-03-05. Review status: criteria provided, single submitter. Criteria: Invitae Variant Classification Sherloc (09022015). Collection method: clinical testing. Allele origin: germline.
Comment: This variant is not present in population databases (ExAC no frequency) and has not been reported in the literature in individuals with a BRCA1-related disease. This sequence change replaces proline with leucine at codon 938 of the BRCA1 protein (p.Pro938Leu). The proline residue is moderately conserved and there is a moderate physicochemical difference between proline and leucine. Algorithms developed to predict the effect of missense changes on protein structure and function output the following: SIFT: "Tolerated"; PolyPhen-2: "Benign"; Align-GVGD: "Class C0". The leucine amino acid residue is found in multiple mammalian species, suggesting that this missense change does not adversely affect protein function. These predictions have not been confirmed by published functional studies. In summary, this variant is a novel missense change that is not predicted to affect protein function. There is no indication that it causes disease, but the available evidence is currently insufficient to prove that conclusively. Therefore, it has been classified as a Variant of Uncertain Significance.

GeneDx
Classification: Uncertain significance. Last evaluated: 2015-08-04. Review status: criteria provided, single submitter. Criteria: GeneDx Variant Classification (06012015). Collection method: clinical testing. Allele origin: germline. Affected: yes.
Comment: This variant is denoted BRCA1 c.2813C>T at the cDNA level, p.Pro938Leu (P938L) at the protein level, and results in the change of a Proline to a Leucine (CCA>CTA). Using alternate nomenclature, this variant would be defined as BRCA1 2932C>T. This variant has not, to our knowledge, been published in the literature as pathogenic or benign. BRCA1 Pro938Leu was not observed in approximately 6,500 individuals of European and African American ancestry in the NHLBI Exome Sequencing Project, indicating it is not a common benign variant in these populations. Since Proline and Leucine differ in some properties, this is considered a semi-conservative amino acid substitution. BRCA1 Pro938Leu occurs at a position that is not conserved and is located in the DNA binding domain and the region of interaction with BASC and RAD51 (Chen 1998, Narod 2004). In silico analyses predict that this variant is unlikely to alter protein structure or function. Based on currently available information, it is unclear whether BRCA1 Pro938Leu is pathogenic or benign. We consider it to be a variant of uncertain significance.

NM_007294.4(BRCA1):c.2813C>T (p.Pro938Leu)

Gene: BRCA1 (BRCA1 DNA repair associated; minus strand). Cytogenetic location: 17q21.31.
Variant type: single nucleotide variant.
Coding change: c.2813C>T on transcript NM_007294.4 (MANE Select); coding-DNA position 2813, C replaced by T.
Protein change: p.Pro938Leu; replaces proline 938 with leucine.
Molecular consequence: missense variant. On other transcripts: intron variant (137).
Genome position (GRCh38, 1-based): chr17:43,092,718, G>A on the plus strand (C>T on the coding strand, the complement: BRCA1 is on the minus strand). VCF-style: chr17-43092718-G-A. GRCh37 (hg19) VCF-style: chr17-41244735-G-A.
Other names: c.2672C>T, p.Pro891Leu (NM_001407751.1, NM_001407752.1, NM_001407850.1 and 29 more transcripts); c.2669C>T, p.Pro890Leu (NM_001407838.1, NM_001407839.1, NM_001407841.1 and 20 more transcripts); c.2600C>T, p.Pro867Leu (NM_001407853.1, NM_001407894.1, NM_001407895.1 and 9 more transcripts); c.2813C>T, p.Pro938Leu (NM_001407854.1, NM_001407858.1, NM_001407859.1 and 30 more transcripts); c.2810C>T, p.Pro937Leu (NM_001407860.1, NM_001407861.1, NM_001407587.1 and 22 more transcripts); c.2612C>T, p.Pro871Leu (NM_001407862.1); c.2690C>T, p.Pro897Leu (NM_001407863.1, NM_001407919.1, NM_001407937.1 and 19 more transcripts); c.2609C>T, p.Pro870Leu (NM_001407874.1, NM_001407875.1); and 41 more; short protein forms P938L, P891L, P871L, P896L, P811L, P827L, P849L, P770L.
Identifiers: ClinVar variation 419626 (VCV000419626.17), dbSNP rs1064793999, ClinGen allele CA10596364.